The following is an entry in ClinVar:

ClinVar aggregate classification (germline): Likely benign (1 of 4 stars; one submission).

Conditions:
Lynch syndrome 4 (LYNCH4). Also called: Colorectal cancer, hereditary nonpolyposis, type 4; Hereditary non-polyposis colorectal cancer, type 4. Identifiers: Orphanet 144, MedGen C1838333, MONDO:0013699, OMIM 614337. Disease mechanism: loss of function.

Submission:

Myriad Genetics, Inc.
Classification: Likely benign for Lynch syndrome 4. Last evaluated: 2025-01-29. Review status: criteria provided, single submitter. Criteria: Myriad Autosomal Dominant, Autosomal Recessive and X-Linked Classification Criteria (2023). Collection method: clinical testing. Allele origin: unknown.
Comment: This variant is considered likely benign. This variant is intronic and is not expected to impact mRNA splicing.

NM_000535.7(PMS2):c.989-13T>C

Gene: PMS2 (PMS1 homolog 2, mismatch repair system component; minus strand). Cytogenetic location: 7p22.1.
Variant type: single nucleotide variant.
Coding change: c.989-13T>C on transcript NM_000535.7 (MANE Select); 13 bases into the intron before coding-DNA position 989, T replaced by C.
Molecular consequence: intron variant.
Genome position (GRCh38, 1-based): chr7:5,989,968, A>G on the plus strand (T>C on the coding strand, the complement: PMS2 is on the minus strand). VCF-style: chr7-5989968-A-G. GRCh37 (hg19) VCF-style: chr7-6029599-A-G.
Other names: c.671-13T>C (NM_001322008.2, NM_001406883.1, NM_001406903.1 and 2 more transcripts); c.680-13T>C (NM_001406881.1, NM_001406879.1, NM_001322015.2 and 5 more transcripts); c.584-13T>C (NM_001406895.1, NM_001322004.2, NM_001406889.1 and 16 more transcripts); c.218-13T>C (NM_001406911.1); c.583+2005T>C (NM_001322010.2, NM_001406906.1, NM_001406907.1); c.670+2005T>C (NM_001406902.1, NM_001406901.1); c.476-13T>C (NM_001406904.1, NM_001406905.1); c.416-13T>C (NM_001322013.2, NM_001406909.1); and 13 more.
Identifiers: ClinVar variation 3903498 (VCV003903498.1).